The following is an entry in ClinVar:

NM_000059.4(BRCA2):c.8754+1G>C

Gene: BRCA2 (BRCA2 DNA repair associated; plus strand). Cytogenetic location: 13q13.1.
Variant type: single nucleotide variant.
Coding change: c.8754+1G>C on transcript NM_000059.4 (MANE Select); the canonical splice donor site of the intron after coding-DNA position 8754, G replaced by C.
Molecular consequence: splice donor variant.
Genome position (GRCh38, 1-based): chr13:32,376,792, G>C. VCF-style: chr13-32376792-G-C. GRCh37 (hg19) VCF-style: chr13-32950929-G-C.
Other names: c.8754+1G>C (NM_001406720.1); c.8658+1G>C (NM_001406719.1); c.3822+1G>C (NM_001406721.1); c.2337+1G>C (NM_001406722.1).
Identifiers: ClinVar variation 922702 (VCV000922702.13), dbSNP rs397508006, ClinGen allele CA387755108.

ClinVar aggregate classification (germline): Pathogenic/Likely pathogenic. Review status: criteria provided, multiple submitters, no conflicts (2 of 4 stars). 4 submissions from 4 submitters: Pathogenic (2); Likely pathogenic (2). Last evaluated 2025-10-15.

Conditions:
Hereditary cancer-predisposing syndrome. Also called: Hereditary Cancer Syndrome; Hereditary neoplastic syndrome; Neoplastic Syndromes, Hereditary; Tumor predisposition. Identifiers: Orphanet 140162, MedGen C0027672, MeSH D009386, MONDO:0015356.
Hereditary breast ovarian cancer syndrome. Also called: BRCA1- and BRCA2-Associated Hereditary Breast and Ovarian Cancer; Hereditary breast and ovarian cancer syndrome; Hereditary breast and ovarian cancer syndrome (HBOC); Breast and ovarian cancer; Hereditary breast and ovarian cancer; Hereditary breast and/or ovarian cancer syndrome. Identifiers: Orphanet 145, MedGen C0677776, MeSH D061325, MONDO:0003582. Disease mechanism: loss of function.
Familial cancer of breast. Also called: hereditary breast carcinoma; BREAST CANCER, FAMILIAL; Hereditary breast cancer. Identifiers: Orphanet 227535, MedGen C0346153, MONDO:0016419, OMIM 114480. Disease mechanism: loss of function.
Breast-ovarian cancer, familial, susceptibility to, 2 (BROVCA2). Also called: BRCA2 Hereditary Breast and Ovarian Cancer. Identifiers: Orphanet 145, MedGen C2675520, MONDO:0012933, OMIM 612555. Disease mechanism: loss of function.

Submissions (4):

Ambry Genetics
Classification: Likely pathogenic for Hereditary cancer-predisposing syndrome. Last evaluated: 2025-10-15. Review status: criteria provided, single submitter. Criteria: Ambry Variant Classification Scheme 2023. Collection method: clinical testing. Allele origin: germline.
Comment: The c.8754+1G>C intronic variant results from a G to C substitution one nucleotide after coding exon 20 of the BRCA2 gene. This variant is considered to be rare based on population cohorts in the Genome Aggregation Database (gnomAD). This nucleotide position is highly conserved in available vertebrate species. In silico splice site analysis predicts that this alteration will weaken the native splice donor site and will result in the creation or strengthening of a novel splice donor site. Alterations that disrupt the canonical splice site are expected to cause aberrant splicing, resulting in an abnormal protein or a transcript that is subject to nonsense-mediated mRNA decay. As such, this alteration is classified as likely pathogenic.

Labcorp Genetics (formerly Invitae), Labcorp
Classification: Pathogenic for Hereditary breast ovarian cancer syndrome. Last evaluated: 2022-10-18. Review status: criteria provided, single submitter. Criteria: Invitae Variant Classification Sherloc (09022015). Collection method: clinical testing. Allele origin: germline.
Comment: For these reasons, this variant has been classified as Pathogenic. Studies have shown that disruption of this splice site alters mRNA splicing and is expected to lead to the loss of protein expression (PMID: 18597679). ClinVar contains an entry for this variant (Variation ID: 922702). This variant has not been reported in the literature in individuals affected with BRCA2-related conditions. This variant is not present in population databases (gnomAD no frequency). This sequence change affects a donor splice site in intron 21 of the BRCA2 gene. It is expected to disrupt RNA splicing. Variants that disrupt the donor or acceptor splice site typically lead to a loss of protein function (PMID: 16199547), and loss-of-function variants in BRCA2 are known to be pathogenic (PMID: 20104584).

Department of Pathology and Laboratory Medicine, Sinai Health System
Classification: Pathogenic for Familial cancer of breast; Breast-ovarian cancer, familial, susceptibility to, 2. Last evaluated: 2019-12-24. Review status: criteria provided, single submitter. Criteria: ACMG Guidelines, 2015. Collection method: clinical testing. Allele origin: germline. Affected: yes.

Color Diagnostics, LLC DBA Color Health
Classification: Likely pathogenic for Hereditary cancer-predisposing syndrome. Last evaluated: 2019-09-10. Review status: criteria provided, single submitter. Criteria: ACMG Guidelines, 2015. Collection method: clinical testing. Allele origin: germline.
Comment: This variant causes a G>C nucleotide substitution at the +1 position of intron 21 of the BRCA2 gene. Splice site prediction tools predict that this variant may have a significant impact on RNA splicing. A different variant at the same position c.8982+1G>T has been reported in an individual with early-onset breast cancer and is observed with the activation of a cryptic splice site, leading to a 46-nucleotide insertion from the 5' end of intron 21 (PMID: 18597679). This cryptic splice site use introduces a premature termination codon (PMID: 17011978, 21638052). This variant has not been identified in the general population by the Genome Aggregation Database (gnomAD). Loss of BRCA2 function is a known mechanism of disease. Based on the available evidence, this variant is classified as Likely Pathogenic.

Literature cited by the submitters: PubMed 18597679 (cited by Labcorp Genetics (formerly Invitae), Labcorp); PubMed 16199547 (cited by Labcorp Genetics (formerly Invitae), Labcorp); PubMed 20104584 (cited by Labcorp Genetics (formerly Invitae), Labcorp).